The following is an entry in ClinVar:

NM_000875.5(IGF1R):c.986C>T (p.Pro329Leu)

Genes: IGF1R (insulin like growth factor 1 receptor; plus strand), LOC126862245 (P300/CBP strongly-dependent group 1 enhancer GRCh37_chr15:99439536-99440735; plus strand). Cytogenetic location: 15q26.3.
Variant type: single nucleotide variant.
Coding change: c.986C>T on transcript NM_000875.5 (MANE Select); coding-DNA position 986, C replaced by T.
Protein change: p.Pro329Leu; replaces proline 329 with leucine.
Molecular consequence: missense variant.
Genome position (GRCh38, 1-based): chr15:98,896,789, C>T. VCF-style: chr15-98896789-C-T. GRCh37 (hg19) VCF-style: chr15-99440018-C-T.
Other names: c.986C>T, p.Pro329Leu (NM_001291858.2); short protein forms P329L.
Identifiers: ClinVar variation 2971601 (VCV002971601.3), dbSNP rs969092160, ClinGen allele CA275359533.
Genomic context (GRCh38, chr15:98,896,789, plus strand): 5'-TTTTGATTTTTTTTTTCTTCTTCAACAGCATGTACTGCATCCCTTGTGAAGGTCCTTGCC[C>T]GAAGGTCTGTGAGGAAGAAAAGAAAACAAAGACCATTGATTCTGTTACTTCTGCTCAGAT-3'
Protein context (NP_000866.1, residues 319-339): MYCIPCEGPC[Pro329Leu]KVCEEEKKTK

ClinVar aggregate classification (germline): Uncertain significance (1 of 4 stars; one submission).

Allele frequency attached by ClinVar (database versions not stated): gnomAD 0.00001; gnomAD exomes 0.00001; TOPMed 0.00002.
gnomAD v4.1: 13 of 1,613,586 alleles (0.00081%); highest among the groups gnomAD compares: African/African-American, 0.0027%; no homozygotes.

Submission:

Labcorp Genetics (formerly Invitae), Labcorp
Classification: Uncertain significance. Last evaluated: 2024-02-11. Review status: criteria provided, single submitter. Criteria: Invitae Variant Classification Sherloc (09022015). Collection method: clinical testing. Allele origin: germline.
Comment: This sequence change replaces proline, which is neutral and non-polar, with leucine, which is neutral and non-polar, at codon 329 of the IGF1R protein (p.Pro329Leu). This variant is present in population databases (no rsID available, gnomAD 0.007%). This variant has not been reported in the literature in individuals affected with IGF1R-related conditions. Advanced modeling of protein sequence and biophysical properties (such as structural, functional, and spatial information, amino acid conservation, physicochemical variation, residue mobility, and thermodynamic stability) performed at Invitae indicates that this missense variant is not expected to disrupt IGF1R protein function with a negative predictive value of 80%. In summary, the available evidence is currently insufficient to determine the role of this variant in disease. Therefore, it has been classified as a Variant of Uncertain Significance.